The following is an entry in ClinVar:

NM_005647.4(TBL1X):c.1576G>A (p.Asp526Asn)

Gene: TBL1X (transducin beta like 1 X-linked; plus strand). Cytogenetic location: Xp22.2.
Variant type: single nucleotide variant.
Coding change: c.1576G>A on transcript NM_005647.4 (MANE Select); coding-DNA position 1576, G replaced by A.
Protein change: p.Asp526Asn; replaces aspartic acid 526 with asparagine.
Molecular consequence: missense variant.
Genome position (GRCh38, 1-based): chrX:9,711,747, G>A. VCF-style: chrX-9711747-G-A. GRCh37 (hg19) VCF-style: chrX-9679787-G-A.
Other names: c.1576G>A, p.Asp526Asn (NM_001139466.1); c.1423G>A, p.Asp475Asn (NM_001139467.1, NM_001139468.1); short protein forms D475N, D526N.
Identifiers: ClinVar variation 2659952 (VCV002659952.24), dbSNP rs2518600883, ClinGen allele CA411988453.

ClinVar aggregate classification (germline): Uncertain significance (1 of 4 stars; one submission).

Submission:

CeGaT Center for Human Genetics Tuebingen
Classification: Uncertain significance. Last evaluated: 2023-01-01. Review status: criteria provided, single submitter. Criteria: CeGaT Center For Human Genetics Tuebingen Variant Classification Criteria Version 2. Collection method: clinical testing. Allele origin: germline. Affected: yes. Observed: 1 variant allele.
Comment: TBL1X: PM2, PP3